The following is an entry in ClinVar:

ClinVar aggregate classification (germline): Uncertain significance (1 of 4 stars; one submission).

Submission:

Women's Health and Genetics/Laboratory Corporation of America, LabCorp
Classification: Uncertain significance. Last evaluated: 2023-09-15. Review status: criteria provided, single submitter. Criteria: LabCorp Variant Classification Summary - May 2015. Collection method: clinical testing. Allele origin: germline.
Comment: Variant summary: FGFR3 c.1316G>C (p.Arg439Pro) results in a non-conservative amino acid change in the encoded protein sequence. Four of five in-silico tools predict a damaging effect of the variant on protein function. The variant was absent in 156234 control chromosomes (gnomAD). The available data on variant occurrences in the general population are insufficient to allow any conclusion about variant significance. To our knowledge, no occurrence of c.1316G>C in individuals affected with Achondroplasia and no experimental evidence demonstrating its impact on protein function have been reported. No submitters have cited clinical-significance assessments for this variant to ClinVar after 2014. Based on the evidence outlined above, the variant was classified as uncertain significance.

NM_000142.5(FGFR3):c.1316G>C (p.Arg439Pro)

Gene: FGFR3 (fibroblast growth factor receptor 3; plus strand). Cytogenetic location: 4p16.3.
Variant type: single nucleotide variant.
Coding change: c.1316G>C on transcript NM_000142.5 (MANE Select); coding-DNA position 1316, G replaced by C.
Protein change: p.Arg439Pro; replaces arginine 439 with proline.
Molecular consequence: missense variant. On other transcripts: non-coding transcript variant (1).
Genome position (GRCh38, 1-based): chr4:1,804,873, G>C. VCF-style: chr4-1804873-G-C. GRCh37 (hg19) VCF-style: chr4-1806600-G-C.
Other names: c.1322G>C, p.Arg441Pro (NM_001163213.2); c.1319G>C, p.Arg440Pro (NM_001354809.2, NM_001354810.2); c.980G>C, p.Arg327Pro (NM_022965.4); short protein forms R327P, R439P, R440P, R441P.
Identifiers: ClinVar variation 2627235 (VCV002627235.1), dbSNP rs529493162, ClinGen allele CA355980193.